The following is an entry in ClinVar:

NM_000257.4(MYH7):c.1639A>T (p.Thr547Ser)

Gene: MYH7 (myosin heavy chain 7; minus strand). Cytogenetic location: 14q11.2.
Variant type: single nucleotide variant.
Coding change: c.1639A>T on transcript NM_000257.4 (MANE Select); coding-DNA position 1639, A replaced by T.
Protein change: p.Thr547Ser; replaces threonine 547 with serine.
Molecular consequence: missense variant.
Genome position (GRCh38, 1-based): chr14:23,427,834, T>A on the plus strand (A>T on the coding strand, the complement: MYH7 is on the minus strand). VCF-style: chr14-23427834-T-A. GRCh37 (hg19) VCF-style: chr14-23897043-T-A.
Other names: c.1639A>T, p.Thr547Ser (NM_001407004.1); short protein forms T547S.
Identifiers: ClinVar variation 2993854 (VCV002993854.3), dbSNP rs1208449412, ClinGen allele CA389050138.
Genomic context (GRCh38, chr14:23,427,834, plus strand): 5'-GTGGCTTCTGGAAGTTGGCGGATTTGCCCAGGTGGTTGTCAAACAGCTTGGCCTTGAAGG[T>A]CATGTCGGTGGCCTTGGGGAACATGCACTCCTCTTCCAGGATGGACATGATGCCCATGGG-3'
Protein context (NP_000248.2, residues 537-557): ECMFPKATDM[Thr547Ser]FKAKLFDNHL

ClinVar aggregate classification (germline): Uncertain significance (1 of 4 stars; one submission).

Conditions:
Hypertrophic cardiomyopathy. Also called: HYPERTROPHIC MYOCARDIOPATHY. Identifiers: Orphanet 217569, MedGen C0007194, MeSH D002312, MONDO:0005045, HP:0001639.

Allele frequency attached by ClinVar (database versions not stated): TOPMed below 0.00001.

Submission:

Labcorp Genetics (formerly Invitae), Labcorp
Classification: Uncertain significance for Hypertrophic cardiomyopathy. Last evaluated: 2023-12-05. Review status: criteria provided, single submitter. Criteria: Invitae Variant Classification Sherloc (09022015). Collection method: clinical testing. Allele origin: germline.
Comment: This sequence change replaces threonine, which is neutral and polar, with serine, which is neutral and polar, at codon 547 of the MYH7 protein (p.Thr547Ser). This variant is not present in population databases (gnomAD no frequency). This variant has not been reported in the literature in individuals affected with MYH7-related conditions. Advanced modeling of protein sequence and biophysical properties (such as structural, functional, and spatial information, amino acid conservation, physicochemical variation, residue mobility, and thermodynamic stability) has been performed at Invitae for this missense variant, however the output from this modeling did not meet the statistical confidence thresholds required to predict the impact of this variant on MYH7 protein function. In summary, the available evidence is currently insufficient to determine the role of this variant in disease. Therefore, it has been classified as a Variant of Uncertain Significance.